The following is an entry in ClinVar:

NM_000117.3(EMD):c.548C>A (p.Pro183His)

Gene: EMD (emerin; plus strand). Cytogenetic location: Xq28.
Variant type: single nucleotide variant.
Coding change: c.548C>A on transcript NM_000117.3 (MANE Select); coding-DNA position 548, C replaced by A.
Protein change: p.Pro183His; replaces proline 183 with histidine.
Molecular consequence: missense variant.
Genome position (GRCh38, 1-based): chrX:154,380,980, C>A. VCF-style: chrX-154380980-C-A. GRCh37 (hg19) VCF-style: chrX-153609340-C-A.
Other names: short protein forms P183H.
Identifiers: ClinVar variation 11178 (VCV000011178.12), dbSNP rs104894805, ClinGen allele CA121387.

ClinVar aggregate classification (germline): Pathogenic. Review status: criteria provided, single submitter (1 of 4 stars). 2 submissions from 2 submitters: Pathogenic (1). 1 of the submissions does not count toward it. Last evaluated 2019-09-28.

Conditions:
X-linked Emery-Dreifuss muscular dystrophy. Also called: Muscular dystrophy, tardive Emery-Dreifuss type, with contractures. Identifiers: Orphanet 261, Orphanet 98863, MedGen C0751337, MONDO:0010680.

Submissions (2):

Labcorp Genetics (formerly Invitae), Labcorp
Classification: Pathogenic for X-linked Emery-Dreifuss muscular dystrophy. Last evaluated: 2019-09-28. Review status: criteria provided, single submitter. Criteria: Invitae Variant Classification Sherloc (09022015). Collection method: clinical testing. Allele origin: germline.
Comment: This variant is not present in population databases (ExAC no frequency). For these reasons, this variant has been classified as Pathogenic. This variant disrupts the p.Pro183 amino acid residue in EMD. Other variant(s) that disrupt this residue have been determined to be pathogenic (PMID: 10382909, 10393813, 26415001, 26675233). This suggests that this residue is clinically significant, and that variants that disrupt this residue are likely to be disease-causing. This variant has been reported to affect EMD protein function (PMID: 10393813, 17067998, 26415001, 26675233). This variant has been observed in an individual affected with Emery-Dreifuss muscular dystrophy (PMID: 10323252). ClinVar contains an entry for this variant (Variation ID: 11178). This sequence change replaces proline with histidine at codon 183 of the EMD protein (p.Pro183His). The proline residue is highly conserved and there is a moderate physicochemical difference between proline and histidine.

OMIM
Classification: Pathogenic for EMERY-DREIFUSS MUSCULAR DYSTROPHY, X-LINKED. Last evaluated: 1999-03-01. Review status: no assertion criteria provided. Collection method: literature only. Allele origin: germline. Not counted in ClinVar's aggregate classification.

Literature cited by the submitters: PubMed 10382909 (cited by Labcorp Genetics (formerly Invitae), Labcorp); PubMed 10393813 (cited by Labcorp Genetics (formerly Invitae), Labcorp); PubMed 26415001 (cited by Labcorp Genetics (formerly Invitae), Labcorp); PubMed 26675233 (cited by Labcorp Genetics (formerly Invitae), Labcorp); PubMed 17067998 (cited by Labcorp Genetics (formerly Invitae), Labcorp); PubMed 10323252 (cited by Labcorp Genetics (formerly Invitae), Labcorp and OMIM).